The following is an entry in ClinVar:

ClinVar aggregate classification (germline): Uncertain significance (1 of 4 stars; one submission).

Conditions:
Hereditary breast ovarian cancer syndrome. Also called: BRCA1- and BRCA2-Associated Hereditary Breast and Ovarian Cancer; Hereditary breast and/or ovarian cancer syndrome; Hereditary breast and ovarian cancer; Hereditary breast and ovarian cancer syndrome (HBOC); Breast and ovarian cancer; Hereditary breast and ovarian cancer syndrome. Identifiers: Orphanet 145, MedGen C0677776, MeSH D061325, MONDO:0003582. Disease mechanism: loss of function.

Submission:

Labcorp Genetics (formerly Invitae), Labcorp
Classification: Uncertain significance for Hereditary breast ovarian cancer syndrome. Last evaluated: 2023-06-30. Review status: criteria provided, single submitter. Criteria: Invitae Variant Classification Sherloc (09022015). Collection method: clinical testing. Allele origin: germline.
Comment: In summary, the available evidence is currently insufficient to determine the role of this variant in disease. Therefore, it has been classified as a Variant of Uncertain Significance. Advanced modeling of protein sequence and biophysical properties (such as structural, functional, and spatial information, amino acid conservation, physicochemical variation, residue mobility, and thermodynamic stability) performed at Invitae indicates that this missense variant is not expected to disrupt BRCA2 protein function. This sequence change replaces glutamic acid, which is acidic and polar, with aspartic acid, which is acidic and polar, at codon 1308 of the BRCA2 protein (p.Glu1308Asp). This variant is not present in population databases (gnomAD no frequency). This variant has not been reported in the literature in individuals affected with BRCA2-related conditions.

NM_000059.4(BRCA2):c.3924A>C (p.Glu1308Asp)

Gene: BRCA2 (BRCA2 DNA repair associated; plus strand). Cytogenetic location: 13q13.1.
Variant type: single nucleotide variant.
Coding change: c.3924A>C on transcript NM_000059.4 (MANE Select); coding-DNA position 3924, A replaced by C.
Protein change: p.Glu1308Asp; replaces glutamic acid 1308 with aspartic acid.
Molecular consequence: missense variant. On other transcripts: non-coding transcript variant (1), intron variant (2).
Genome position (GRCh38, 1-based): chr13:32,338,279, A>C. VCF-style: chr13-32338279-A-C. GRCh37 (hg19) VCF-style: chr13-32912416-A-C.
Other names: c.3924A>C, p.Glu1308Asp (NM_001406719.1, NM_001406720.1); c.1909+4892A>C (NM_001406721.1); c.425-6279A>C (NM_001406722.1); short protein forms E1308D.
Identifiers: ClinVar variation 2733541 (VCV002733541.3), dbSNP rs2137501302, ClinGen allele CA387778834.